The following is an entry in ClinVar:

ClinVar aggregate classification (germline): Uncertain significance (1 of 4 stars; one submission).

Allele frequency attached by ClinVar (database versions not stated): gnomAD exomes below 0.00001.
gnomAD v4.1: 2 of 1,613,718 alleles (0.00012%); highest among the groups gnomAD compares: Non-Finnish European, 0.00017%; no homozygotes.

Submission:

GeneDx
Classification: Uncertain significance. Last evaluated: 2022-05-25. Review status: criteria provided, single submitter. Criteria: GeneDx Variant Classification Process June 2021. Collection method: clinical testing. Allele origin: germline. Affected: yes.
Comment: Not observed at significant frequency in large population cohorts (gnomAD); In silico analysis supports that this missense variant does not alter protein structure/function; Has not been previously published as pathogenic or benign to our knowledge

NM_021008.4(DEAF1):c.307G>A (p.Val103Met)

Gene: DEAF1 (DEAF1 transcription factor; minus strand). Cytogenetic location: 11p15.5.
Variant type: single nucleotide variant.
Coding change: c.307G>A on transcript NM_021008.4 (MANE Select); coding-DNA position 307, G replaced by A.
Protein change: p.Val103Met; replaces valine 103 with methionine.
Molecular consequence: missense variant. On other transcripts: 5 prime UTR variant (1).
Genome position (GRCh38, 1-based): chr11:691,581, C>T on the plus strand (G>A on the coding strand, the complement: DEAF1 is on the minus strand). VCF-style: chr11-691581-C-T. GRCh37 (hg19) VCF-style: chr11-691581-C-T.
Other names: c.307G>A, p.Val103Met (NM_001293634.2); c.-420G>A (NM_001367390.1); short protein forms V103M.
Identifiers: ClinVar variation 1801086 (VCV001801086.1), dbSNP rs2494478012, ClinGen allele CA378938064.